The following is an entry in ClinVar:

NM_001199753.2(CPT1C):c.2298G>C (p.Gln766His)

Gene: CPT1C (carnitine palmitoyltransferase 1C; plus strand). Cytogenetic location: 19q13.33.
Variant type: single nucleotide variant.
Coding change: c.2298G>C on transcript NM_001199753.2 (MANE Select); coding-DNA position 2298, G replaced by C.
Protein change: p.Gln766His; replaces glutamine 766 with histidine.
Molecular consequence: missense variant. On other transcripts: non-coding transcript variant (1).
Genome position (GRCh38, 1-based): chr19:49,713,491, G>C. VCF-style: chr19-49713491-G-C. GRCh37 (hg19) VCF-style: chr19-50216748-G-C.
Other names: c.2298G>C, p.Gln766His (NM_001378484.1, NM_152359.3, NM_001199752.3 and 1 more transcripts); c.2265G>C, p.Gln755His (NM_001378485.1, NM_001136052.3); c.2163G>C, p.Gln721His (NM_001378486.1, NM_001378488.1); c.2130G>C, p.Gln710His (NM_001378487.1); c.2364G>C, p.Gln788His (NM_001378482.1); c.2298G>C (NM_001199752.1); short protein forms Q755H, Q766H, Q710H, Q721H, Q788H.
Identifiers: ClinVar variation 1427013 (VCV001427013.7), dbSNP rs746999197, ClinGen allele CA9582497.

ClinVar aggregate classification (germline): Uncertain significance. Review status: criteria provided, multiple submitters, no conflicts (2 of 4 stars). 2 submissions from 2 submitters: Uncertain significance (2). Last evaluated 2022-09-06.

Conditions:
Hereditary spastic paraplegia 73. Also called: Spastic paraplegia 73, autosomal dominant. Identifiers: Orphanet 444099, MedGen C5568981, MONDO:0014568, OMIM 616282.

Allele frequency attached by ClinVar (database versions not stated): gnomAD exomes 0.00001; ExAC 0.00002.
gnomAD v4.1: 3 of 1,614,240 alleles (0.00019%); highest among the groups gnomAD compares: Admixed American, 0.0033%; no homozygotes.

Submissions (2):

Ambry Genetics
Classification: Uncertain significance. Last evaluated: 2022-09-06. Review status: criteria provided, single submitter. Criteria: Ambry Variant Classification Scheme 2023. Collection method: clinical testing. Allele origin: germline.

Labcorp Genetics (formerly Invitae), Labcorp
Classification: Uncertain significance for Hereditary spastic paraplegia 73. Last evaluated: 2022-02-07. Review status: criteria provided, single submitter. Criteria: Invitae Variant Classification Sherloc (09022015). Collection method: clinical testing. Allele origin: germline.
Comment: This variant is present in population databases (rs746999197, gnomAD 0.006%). This sequence change replaces glutamine, which is neutral and polar, with histidine, which is basic and polar, at codon 755 of the CPT1C protein (p.Gln755His). This variant has not been reported in the literature in individuals affected with CPT1C-related conditions. Algorithms developed to predict the effect of missense changes on protein structure and function are either unavailable or do not agree on the potential impact of this missense change (SIFT: "Tolerated"; PolyPhen-2: "Possibly Damaging"; Align-GVGD: "Class C0"). In summary, the available evidence is currently insufficient to determine the role of this variant in disease. Therefore, it has been classified as a Variant of Uncertain Significance.